The following is an entry in ClinVar:

ClinVar aggregate classification (germline): Uncertain significance (1 of 4 stars; one submission).

Allele frequency attached by ClinVar (database versions not stated): gnomAD exomes below 0.00001; ExAC 0.00002; gnomAD 0.00002; TOPMed 0.00002.
gnomAD v4.1: 5 of 1,613,684 alleles (0.00031%); highest among the groups gnomAD compares: African/African-American, 0.0013%; no homozygotes.

Submission:

Labcorp Genetics (formerly Invitae), Labcorp
Classification: Uncertain significance. Last evaluated: 2022-08-19. Review status: criteria provided, single submitter. Criteria: Invitae Variant Classification Sherloc (09022015). Collection method: clinical testing. Allele origin: germline.
Comment: This sequence change replaces serine, which is neutral and polar, with asparagine, which is neutral and polar, at codon 161 of the TMPRSS15 protein (p.Ser161Asn). This variant is present in population databases (rs749536036, gnomAD 0.002%). This variant has not been reported in the literature in individuals affected with TMPRSS15-related conditions. Algorithms developed to predict the effect of missense changes on protein structure and function are either unavailable or do not agree on the potential impact of this missense change (SIFT: "Not Available"; PolyPhen-2: "Probably Damaging"; Align-GVGD: "Not Available"). In summary, the available evidence is currently insufficient to determine the role of this variant in disease. Therefore, it has been classified as a Variant of Uncertain Significance.

NM_002772.3(TMPRSS15):c.482G>A (p.Ser161Asn)

Gene: TMPRSS15 (transmembrane serine protease 15; minus strand). Cytogenetic location: 21q21.1.
Variant type: single nucleotide variant.
Coding change: c.482G>A on transcript NM_002772.3 (MANE Select); coding-DNA position 482, G replaced by A.
Protein change: p.Ser161Asn; replaces serine 161 with asparagine.
Molecular consequence: missense variant.
Genome position (GRCh38, 1-based): chr21:18,383,641, C>T on the plus strand (G>A on the coding strand, the complement: TMPRSS15 is on the minus strand). VCF-style: chr21-18383641-C-T. GRCh37 (hg19) VCF-style: chr21-19755958-C-T.
Other names: short protein forms S161N.
Identifiers: ClinVar variation 2121169 (VCV002121169.1), dbSNP rs749536036, ClinGen allele CA9984752.
Genomic context (GRCh38, chr21:18,383,641, plus strand): 5'-TTCATAGCTTAATGATTCAAAGAAATCAAATAATGTTCACACATACCTAGGATATCAACG[C>T]TGTTCAAATCAATATGGAAAGTGACCAGTTGGCTGGATTTATTTGCTTCAAGGCCTTGAA-3'
Protein context (NP_002763.3, residues 151-171): QLVTFHIDLN[Ser161Asn]VDILDKLTTT